The following is an entry in ClinVar:

NM_000548.5(TSC2):c.3285-3C>T

Gene: TSC2 (TSC complex subunit 2; plus strand). Cytogenetic location: 16p13.3.
Variant type: single nucleotide variant.
Coding change: c.3285-3C>T on transcript NM_000548.5 (MANE Select); 3 bases into the intron before coding-DNA position 3285, C replaced by T.
Molecular consequence: intron variant.
Genome position (GRCh38, 1-based): chr16:2,079,554, C>T. VCF-style: chr16-2079554-C-T. GRCh37 (hg19) VCF-style: chr16-2129555-C-T.
Other names: c.3285-3C>T (NM_001114382.3); c.3156-3C>T (NM_021055.3, NM_001370405.1, NM_001363528.2); c.3153-3C>T (NM_001370404.1, NM_001077183.3); c.3045-3C>T (NM_001318827.2); c.2553-3C>T (NM_001318831.2); c.3009-3C>T (NM_001318829.2); c.3186-3C>T (NM_001318832.2).
Identifiers: ClinVar variation 1064160 (VCV001064160.12), dbSNP rs781023043, ClinGen allele CA2202030374.
Genomic context (GRCh38, chr16:2,079,554, plus strand): 5'-ACGTGGCACCCTCGTACCAGCCTGGGGACTAAGTCCACCCTGTGCGTGGGATTCTCTTCT[C>T]AGCTCCAGCCCCGGGGTGCATGTGAGACAGACCAAGGAGGCGCCGGCCAAGCTGGAGTCC-3'

ClinVar aggregate classification (germline): Conflicting classifications of pathogenicity. Review status: criteria provided, conflicting classifications (1 of 4 stars). 2 submissions from 2 submitters: Uncertain significance (1); Likely benign (1). Last evaluated 2025-05-22.

Conditions:
Hereditary cancer-predisposing syndrome. Also called: Tumor predisposition; Neoplastic Syndromes, Hereditary; Hereditary Cancer Syndrome; Hereditary neoplastic syndrome. Identifiers: Orphanet 140162, MedGen C0027672, MeSH D009386, MONDO:0015356.
Tuberous sclerosis 2 (TSC2). Identifiers: Orphanet 805, MedGen C1860707, MONDO:0013199, OMIM 613254.

Allele frequency attached by ClinVar (database versions not stated): gnomAD 0.00001.

Submissions (2):

Labcorp Genetics (formerly Invitae), Labcorp
Classification: Likely benign for Tuberous sclerosis 2. Last evaluated: 2025-05-22. Review status: criteria provided, single submitter. Criteria: Invitae Variant Classification Sherloc (09022015). Collection method: clinical testing. Allele origin: germline.

Ambry Genetics
Classification: Uncertain significance for Hereditary cancer-predisposing syndrome. Last evaluated: 2024-04-26. Review status: criteria provided, single submitter. Criteria: Ambry Variant Classification Scheme 2023. Collection method: clinical testing. Allele origin: germline.
Comment: The c.3285-3C>T intronic variant results from a C to T substitution 3 nucleotides upstream from coding exon 28 in the TSC2 gene. This nucleotide position is not well conserved in available vertebrate species. In silico splice site analysis predicts that this alteration will not have any significant effect on splicing. Since supporting evidence is limited at this time, the clinical significance of this alteration remains unclear.